The following is an entry in ClinVar:

ClinVar aggregate classification (germline): Benign (1 of 4 stars; one submission).

Conditions:
Von Hippel-Lindau syndrome (VHLS). Also called: von Hippel–Lindau syndrome; Von Hippel-Lindau; VHL syndrome. Identifiers: Orphanet 892, MedGen C0019562, MONDO:0008667, OMIM 193300. Disease mechanism: loss of function.

Allele frequency attached by ClinVar (database versions not stated): TOPMed 0.00039; gnomAD 0.00042 and 0.00043; 1000 Genomes Project 30x 0.00062; 1000 Genomes Project 0.00080.
gnomAD v4.1: 62 of 148,426 alleles (0.042%); highest among the groups gnomAD compares: African/African-American, 0.13%; no homozygotes.

Submission:

Illumina Laboratory Services, Illumina
Classification: Benign for Von Hippel-Lindau syndrome. Last evaluated: 2018-01-13. Review status: criteria provided, single submitter. Criteria: ICSL Variant Classification Criteria 13 December 2019. Collection method: clinical testing. Allele origin: germline.
Comment: This variant was observed in the ICSL laboratory as part of a predisposition screen in an ostensibly healthy population. It had not been previously curated by ICSL or reported in the Human Gene Mutation Database (HGMD: prior to June 1st, 2018), and was therefore a candidate for classification through an automated scoring system. Utilizing variant allele frequency, disease prevalence and penetrance estimates, and inheritance mode, an automated score was calculated to assess if this variant is too frequent to cause the disease. Based on the score and internal cut-off values, a variant classified as benign is not then subjected to further curation. The score for this variant resulted in a classification of benign for this disease.

NM_000551.4(VHL):c.*3617G>A

Genes: VHL (von Hippel-Lindau tumor suppressor; plus strand), LOC107303340 (3p25 von Hippel-Lindau tumor suppressor, E3 ubiquitin protein ligase Alu-mediated recombination region; plus strand). Cytogenetic location: 3p25.3.
Variant type: single nucleotide variant.
Coding change: c.*3617G>A on transcript NM_000551.4 (MANE Select); 3617 bases downstream of the stop codon, G replaced by A.
Molecular consequence: 3 prime UTR variant.
Genome position (GRCh38, 1-based): chr3:10,153,582, G>A. VCF-style: chr3-10153582-G-A. GRCh37 (hg19) VCF-style: chr3-10195266-G-A.
Other names: c.*3813G>A (NM_001354723.2); c.*3617G>A (NM_198156.3).
Identifiers: ClinVar variation 903299 (VCV000903299.4), dbSNP rs527601820, ClinGen allele CA70055416.
Genomic context (GRCh38, chr3:10,153,582, plus strand): 5'-TAATGTTTGTTTTTCATTTCGAATCTTGTGAATGTATTAAATATATCGCTCTTAAGAGAC[G>A]GTGAAGTTCCTATTTCAAGTTTTTTTTTTTTTTTTTTTTTTTAAAGCTGTTTTTTAATAC-3'